The following is an entry in ClinVar:

NM_000051.4(ATM):c.643A>G (p.Lys215Glu)

Gene: ATM (ATM serine/threonine kinase; plus strand). Cytogenetic location: 11q22.3.
Variant type: single nucleotide variant.
Coding change: c.643A>G on transcript NM_000051.4 (MANE Select); coding-DNA position 643, A replaced by G.
Protein change: p.Lys215Glu; replaces lysine 215 with glutamic acid.
Molecular consequence: missense variant.
Genome position (GRCh38, 1-based): chr11:108,244,099, A>G. VCF-style: chr11-108244099-A-G. GRCh37 (hg19) VCF-style: chr11-108114826-A-G.
Other names: c.643A>G, p.Lys215Glu (NM_001351834.2); short protein forms K215E.
Identifiers: ClinVar variation 994785 (VCV000994785.7), dbSNP rs2079708238, ClinGen allele CA382528482.

ClinVar aggregate classification (germline): Uncertain significance. Review status: criteria provided, multiple submitters, no conflicts (2 of 4 stars). 3 submissions from 3 submitters: Uncertain significance (3). Last evaluated 2025-06-19.

Conditions:
Hereditary cancer-predisposing syndrome. Also called: Neoplastic Syndromes, Hereditary; Hereditary neoplastic syndrome; Hereditary Cancer Syndrome; Tumor predisposition. Identifiers: Orphanet 140162, MedGen C0027672, MeSH D009386, MONDO:0015356.
Ataxia-telangiectasia syndrome (AT). Also called: Ataxia-telangiectasia, complementation group D; AT, COMPLEMENTATION GROUP C; ATAXIA-TELANGIECTASIA, FRESNO VARIANT; ATAXIA-TELANGIECTASIA, COMPLEMENTATION GROUP A; Ataxia-telangiectasia, complementation group E; Ataxia telangiectasia (A-T). Identifiers: Orphanet 100, MedGen C0004135, MONDO:0008840, OMIM 208900.

Submissions (3):

Ambry Genetics
Classification: Uncertain significance for Hereditary cancer-predisposing syndrome. Last evaluated: 2025-06-19. Review status: criteria provided, single submitter. Criteria: Ambry Variant Classification Scheme 2023. Collection method: clinical testing. Allele origin: germline.
Comment: The p.K215E variant (also known as c.643A>G), located in coding exon 5 of the ATM gene, results from an A to G substitution at nucleotide position 643. The lysine at codon 215 is replaced by glutamic acid, an amino acid with similar properties. This amino acid position is well conserved in available vertebrate species. In addition, this alteration is predicted to be tolerated by in silico analysis. Since supporting evidence is limited at this time, the clinical significance of this alteration remains unclear.

Labcorp Genetics (formerly Invitae), Labcorp
Classification: Uncertain significance for Ataxia-telangiectasia syndrome. Last evaluated: 2024-10-07. Review status: criteria provided, single submitter. Criteria: Invitae Variant Classification Sherloc (09022015). Collection method: clinical testing. Allele origin: germline.
Comment: This sequence change replaces lysine, which is basic and polar, with glutamic acid, which is acidic and polar, at codon 215 of the ATM protein (p.Lys215Glu). This variant is not present in population databases (gnomAD no frequency). This variant has not been reported in the literature in individuals affected with ATM-related conditions. ClinVar contains an entry for this variant (Variation ID: 994785). Invitae Evidence Modeling of protein sequence and biophysical properties (such as structural, functional, and spatial information, amino acid conservation, physicochemical variation, residue mobility, and thermodynamic stability) indicates that this missense variant is not expected to disrupt ATM protein function with a negative predictive value of 95%. In summary, the available evidence is currently insufficient to determine the role of this variant in disease. Therefore, it has been classified as a Variant of Uncertain Significance.

Athena Diagnostics
Classification: Uncertain significance. Last evaluated: 2020-01-21. Review status: criteria provided, single submitter. Criteria: Athena Diagnostics Criteria. Collection method: clinical testing. Allele origin: unknown.